The following is an entry in ClinVar:

NC_000009.11:g.(?_214977)_(452137_?)dup

Genes: DOCK8-AS1 (DOCK8 antisense RNA 1; minus strand), DOCK8 (dedicator of cytokinesis 8; plus strand). Cytogenetic location: 9p24.3.
Variant type: Duplication.
Identifiers: ClinVar variation 1449603 (VCV001449603.8).

ClinVar aggregate classification (germline): Uncertain significance (1 of 4 stars; one submission).

Conditions:
Combined immunodeficiency due to DOCK8 deficiency (HIES2). Also called: Hyper-IgE recurrent infection syndrome, autosomal recessive; HYPER-IgE RECURRENT INFECTION SYNDROME 2, AUTOSOMAL RECESSIVE; HYPER-IgE SYNDROME 2, AUTOSOMAL RECESSIVE, WITH RECURRENT INFECTIONS; DOCK8 Deficiency; HIES autosomal recessive. Identifiers: Orphanet 217390, MedGen C4722305, MONDO:0009478, OMIM 243700.

Submission:

Labcorp Genetics (formerly Invitae), Labcorp
Classification: Uncertain significance for Combined immunodeficiency due to DOCK8 deficiency. Last evaluated: 2022-08-22. Review status: criteria provided, single submitter. Criteria: Invitae Variant Classification Sherloc (09022015). Collection method: clinical testing. Allele origin: germline.
Comment: This variant results in a copy number gain of the genomic region encompassing exon(s) 1-46 of the DOCK8 gene. This region includes the initiator codon of the gene. This copy number gain extends beyond the assayed region for this gene and therefore may encompass additional genes. As the precise location of this event is unknown, it may be in tandem or it may be located elsewhere in the genome. This variant has not been reported in the literature in individuals affected with DOCK8-related conditions. In summary, the available evidence is currently insufficient to determine the role of this variant in disease. Therefore, it has been classified as a Variant of Uncertain Significance.